The following is an entry in ClinVar:

NM_001033855.3(DCLRE1C):c.1771A>G (p.Met591Val)

Gene: DCLRE1C (DNA cross-link repair 1C; minus strand). Cytogenetic location: 10p13.
Variant type: single nucleotide variant.
Coding change: c.1771A>G on transcript NM_001033855.3 (MANE Select); coding-DNA position 1771, A replaced by G.
Protein change: p.Met591Val; replaces methionine 591 with valine.
Molecular consequence: missense variant. On other transcripts: non-coding transcript variant (4).
Genome position (GRCh38, 1-based): chr10:14,908,716, T>C on the plus strand (A>G on the coding strand, the complement: DCLRE1C is on the minus strand). VCF-style: chr10-14908716-T-C. GRCh37 (hg19) VCF-style: chr10-14950715-T-C.
Other names: c.1411A>G, p.Met471Val (NM_001033857.3, NM_001033858.3, NM_001289077.2 and 2 more transcripts); c.1426A>G, p.Met476Val (NM_001289076.2, NM_001289078.2, NM_001350966.2 and 1 more transcripts); c.1771A>G, p.Met591Val (NM_001350965.2); short protein forms M471V, M476V, M591V.
Identifiers: ClinVar variation 998612 (VCV000998612.6), dbSNP rs751968783, ClinGen allele CA5416412.

ClinVar aggregate classification (germline): Uncertain significance (1 of 4 stars; one submission).

Conditions:
Severe combined immunodeficiency due to DCLRE1C deficiency (RS-SCID). Also called: SCID, AUTOSOMAL RECESSIVE, T CELL-NEGATIVE, B CELL-NEGATIVE, NK CELL-POSITIVE, WITH SENSITIVITY TO IONIZING RADIATION. Identifiers: Orphanet 275, MedGen C1865371, MONDO:0011225, OMIM 602450.

Allele frequency attached by ClinVar (database versions not stated): ExAC 0.00002; gnomAD exomes 0.00001.
gnomAD v4.1: 15 of 1,614,248 alleles (0.00093%); highest among the groups gnomAD compares: Non-Finnish European, 0.0012%; no homozygotes.

Submission:

Labcorp Genetics (formerly Invitae), Labcorp
Classification: Uncertain significance for Athabaskan severe combined immunodeficiency. Last evaluated: 2021-09-01. Review status: criteria provided, single submitter. Criteria: Invitae Variant Classification Sherloc (09022015). Collection method: clinical testing. Allele origin: germline.
Comment: This sequence change replaces methionine with valine at codon 591 of the DCLRE1C protein (p.Met591Val). The methionine residue is weakly conserved and there is a small physicochemical difference between methionine and valine. This variant is present in population databases (rs751968783, ExAC 0.003%). This variant has not been reported in the literature in individuals affected with DCLRE1C-related conditions. Algorithms developed to predict the effect of missense changes on protein structure and function (SIFT, PolyPhen-2, Align-GVGD) all suggest that this variant is likely to be tolerated. In summary, the available evidence is currently insufficient to determine the role of this variant in disease. Therefore, it has been classified as a Variant of Uncertain Significance.